The following is an entry in ClinVar:

ClinVar aggregate classification (germline): Likely benign (1 of 4 stars; one submission).

Allele frequency attached by ClinVar (database versions not stated): gnomAD exomes below 0.00001; ExAC 0.00001.
gnomAD v4.1: 5 of 1,614,182 alleles (0.00031%); highest among the groups gnomAD compares: African/African-American, 0.0013%; no homozygotes.

Submission:

CeGaT Center for Human Genetics Tuebingen
Classification: Likely benign. Last evaluated: 2023-01-01. Review status: criteria provided, single submitter. Criteria: CeGaT Center For Human Genetics Tuebingen Variant Classification Criteria Version 2. Collection method: clinical testing. Allele origin: germline. Affected: yes. Observed: 1 variant allele.
Comment: DSPP: BP4, BP7

NM_014208.3(DSPP):c.1227G>A (p.Leu409=)

Genes: DMP1-AS1 (DMP1 and DSPP antisense RNA 1; minus strand), DSPP (dentin sialophosphoprotein; plus strand). Cytogenetic location: 4q22.1.
Variant type: single nucleotide variant.
Coding change: c.1227G>A on transcript NM_014208.3 (MANE Select); coding-DNA position 1227, G replaced by A.
Protein change: p.Leu409=; no amino-acid change (leucine 409 retained).
Molecular consequence: synonymous variant.
Genome position (GRCh38, 1-based): chr4:87,613,889, G>A. VCF-style: chr4-87613889-G-A. GRCh37 (hg19) VCF-style: chr4-88535041-G-A.
Identifiers: ClinVar variation 2654893 (VCV002654893.24), dbSNP rs762312327, ClinGen allele CA3001062.
Genomic context (GRCh38, chr4:87,613,889, plus strand): 5'-CAAAGAAGTTGGGAAAGGCAACGAAGGTAAAGAGGATAAAGGACAACATGGAATGATCTT[G>A]GGCAAAGGCAATGTCAAGACACAAGGAGAGGTTGTCAACATAGAAGGACCTGGCCAAAAA-3'
Protein context (NP_055023.2, residues 399-419): KEDKGQHGMI[Leu409=]GKGNVKTQGE